The following is an entry in ClinVar:

NM_002354.3(EPCAM):c.550A>G (p.Ile184Val)

Gene: EPCAM (epithelial cell adhesion molecule; plus strand). Cytogenetic location: 2p21.
Variant type: single nucleotide variant.
Coding change: c.550A>G on transcript NM_002354.3 (MANE Select); coding-DNA position 550, A replaced by G.
Protein change: p.Ile184Val; replaces isoleucine 184 with valine.
Molecular consequence: missense variant.
Genome position (GRCh38, 1-based): chr2:47,377,072, A>G. VCF-style: chr2-47377072-A-G. GRCh37 (hg19) VCF-style: chr2-47604211-A-G.
Other names: short protein forms I184V.
Identifiers: ClinVar variation 3222122 (VCV003222122.1), dbSNP rs1259006998, ClinGen allele CA346724063.

ClinVar aggregate classification (germline): Uncertain significance (1 of 4 stars; one submission).

Conditions:
Hereditary cancer-predisposing syndrome. Also called: Tumor predisposition; Hereditary neoplastic syndrome; Hereditary Cancer Syndrome; Neoplastic Syndromes, Hereditary. Identifiers: Orphanet 140162, MedGen C0027672, MeSH D009386, MONDO:0015356.

gnomAD v4.1: 1 of 1,600,382 alleles (0.000062%); no homozygotes.

Submission:

Ambry Genetics
Classification: Uncertain significance for Hereditary cancer-predisposing syndrome. Last evaluated: 2022-11-18. Review status: criteria provided, single submitter. Criteria: Ambry Variant Classification Scheme 2023. Collection method: clinical testing. Allele origin: germline.
Comment: The p.I184V variant (also known as c.550A>G), located in coding exon 5 of the EPCAM gene, results from an A to G substitution at nucleotide position 550. The isoleucine at codon 184 is replaced by valine, an amino acid with highly similar properties. This amino acid position is conserved. In addition, this alteration is predicted to be tolerated by in silico analysis. Since supporting evidence is limited at this time, the clinical significance of this alteration remains unclear.